The following is an entry in ClinVar:

ClinVar aggregate classification (germline): Uncertain significance (1 of 4 stars; one submission).

Allele frequency attached by ClinVar (database versions not stated): ESP Exome Variant Server 0.00023; gnomAD 0.00025.
gnomAD v4.1: 794 of 1,613,346 alleles (0.049%); highest among the groups gnomAD compares: Middle Eastern, 0.11%; 1 homozygote.

Submission:

Labcorp Genetics (formerly Invitae), Labcorp
Classification: Uncertain significance. Last evaluated: 2026-01-19. Review status: criteria provided, single submitter. Criteria: Invitae Variant Classification Sherloc (09022015). Collection method: clinical testing. Allele origin: germline.
Comment: This sequence change replaces arginine, which is basic and polar, with histidine, which is basic and polar, at codon 653 of the GUCY2C protein (p.Arg653His). This variant is present in population databases (rs199662310, gnomAD 0.04%). This missense change has been observed in individual(s) with clinical features of GUCY2C-related conditions (internal data). ClinVar contains an entry for this variant (Variation ID: 1356663). Invitae Evidence Modeling of protein sequence and biophysical properties (such as structural, functional, and spatial information, amino acid conservation, physicochemical variation, residue mobility, and thermodynamic stability) indicates that this missense variant is expected to disrupt GUCY2C protein function with a positive predictive value of 80%. In summary, the available evidence is currently insufficient to determine the role of this variant in disease. Therefore, it has been classified as a Variant of Uncertain Significance.

NM_004963.4(GUCY2C):c.1958G>A (p.Arg653His)

Gene: GUCY2C (guanylate cyclase 2C; minus strand). Cytogenetic location: 12p12.3.
Variant type: single nucleotide variant.
Coding change: c.1958G>A on transcript NM_004963.4 (MANE Select); coding-DNA position 1958, G replaced by A.
Protein change: p.Arg653His; replaces arginine 653 with histidine.
Molecular consequence: missense variant.
Genome position (GRCh38, 1-based): chr12:14,641,192, C>T on the plus strand (G>A on the coding strand, the complement: GUCY2C is on the minus strand). VCF-style: chr12-14641192-C-T. GRCh37 (hg19) VCF-style: chr12-14794126-C-T.
Other names: short protein forms R653H.
Identifiers: ClinVar variation 1356663 (VCV001356663.6), dbSNP rs199662310, ClinGen allele CA6463223.
Genomic context (GRCh38, chr12:14,641,192, plus strand): 5'-ATCTCCTGTGCGATGATCCCATAGCTGTACACATCTCCTTTCTGAGAGATGTTGGCTTGG[C>T]GGAGGTGCTCTGGAGCTGTCCACAGGTCTGTAAATGTAGACATTGAGATTACAAAGTTGA-3'
Protein context (NP_004954.2, residues 643-663): KDLWTAPEHL[Arg653His]QANISQKGDV